The following is an entry in ClinVar:

NM_001103.4(ACTN2):c.1_6del (p.Met1_Asn2del)

Gene: ACTN2 (actinin alpha 2; plus strand). Cytogenetic location: 1q43.
Variant type: Deletion.
Coding change: c.1_6del on transcript NM_001103.4 (MANE Select); coding-DNA positions 1 to 6, 6 bases deleted (ATGAAC; older notation c.1_6delATGAAC).
Protein change: p.Met1_Asn2del.
Molecular consequence: inframe deletion, initiator codon variant. On other transcripts: 5 prime UTR variant (1).
Genome position (GRCh38, 1-based): chr1:236,686,674-236,686,679, ATGAAC deleted; deleting any 6 consecutive bases within chr1:236,686,673-236,686,679 gives the same sequence; the c. name uses the placement nearest the transcript's 3' end. VCF-style (leftmost placement, unchanged base first): chr1-236686672-CCATGAA-C. GRCh37 (hg19) VCF-style: chr1-236849972-CCATGAA-C.
Other names: c.1_6del, p.Met1_Asn2del (NM_001278343.2); c.-821_-816del (NM_001278344.2).
Identifiers: ClinVar variation 846012 (VCV000846012.11), dbSNP rs1665879389, ClinGen allele CA916082157.

ClinVar aggregate classification (germline): Uncertain significance (1 of 4 stars; one submission).

Conditions:
Dilated cardiomyopathy 1AA (CMD1AA). Also called: CARDIOMYOPATHY, DILATED, 1AA, WITH OR WITHOUT LEFT VENTRICULAR NONCOMPACTION; CARDIOMYOPATHY, FAMILIAL HYPERTROPHIC, 23, WITH OR WITHOUT LEFT VENTRICULAR NONCOMPACTION; Cardiomyopathy, dilated, 1AA, with or without LVNC. Identifiers: Orphanet 154, MedGen C2677338, MONDO:0012808, OMIM 612158.
Primary familial hypertrophic cardiomyopathy (HCM). Identifiers: Orphanet 99739, MedGen C0949658, MeSH D024741, MONDO:0024573. Inheritance: Various modes of inheritance.

Submission:

Labcorp Genetics (formerly Invitae), Labcorp
Classification: Uncertain significance for Primary familial hypertrophic cardiomyopathy; Dilated cardiomyopathy 1AA. Last evaluated: 2019-12-11. Review status: criteria provided, single submitter. Criteria: Invitae Variant Classification Sherloc (09022015). Collection method: clinical testing. Allele origin: germline.
Comment: In summary, the available evidence is currently insufficient to determine the role of this variant in disease. Therefore, it has been classified as a Variant of Uncertain Significance. Experimental studies and prediction algorithms are not available or were not evaluated, and the functional significance of this variant is currently unknown. This variant has not been reported in the literature in individuals with ACTN2-related conditions. This variant is not present in population databases (ExAC no frequency). This sequence change affects the initiator methionine of the ACTN2 mRNA. The next in-frame methionine is located at codon 20.